The following is an entry in ClinVar:

NM_015221.4(DNMBP):c.1332C>T (p.Pro444=)

Genes: DNMBP (dynamin binding protein; minus strand), DNMBP-AS1 (DNMBP antisense RNA 1; plus strand). Cytogenetic location: 10q24.2.
Variant type: single nucleotide variant.
Coding change: c.1332C>T on transcript NM_015221.4 (MANE Select); coding-DNA position 1332, C replaced by T.
Protein change: p.Pro444=; no amino-acid change (proline 444 retained).
Molecular consequence: synonymous variant.
Genome position (GRCh38, 1-based): chr10:99,956,142, G>A on the plus strand (C>T on the coding strand, the complement: DNMBP is on the minus strand). VCF-style: chr10-99956142-G-A. GRCh37 (hg19) VCF-style: chr10-101715899-G-A.
Other names: c.1332C>T (NM_015221.3).
Identifiers: ClinVar variation 1255524 (VCV001255524.6), dbSNP rs2862923, ClinGen allele CA5645221.
Genomic context (GRCh38, chr10:99,956,142, plus strand): 5'-CATTCTTTTGGGAGGTAGGCTGGCATAGTCTCTAGTCCTTGCTTCTAGGGGAAGAAGGTC[G>A]GGGTACTGTTCTGAGTGCGGGTGGCTCCCTCCCACTGTAGAATAATACTGGCTTTTCTGC-3'
Protein context (NP_056036.1, residues 434-454): GGSHPHSEQY[Pro444=]DLLPLEARTR

ClinVar aggregate classification (germline): Benign. Review status: criteria provided, multiple submitters, no conflicts (2 of 4 stars). 3 submissions from 3 submitters: Benign (2). 1 of the submissions does not count toward it. Last evaluated 2021-07-30.

Conditions:
Cataract 48. Identifiers: MedGen C5193082, MONDO:0032735, OMIM 618415.
DNMBP-related disorder. Also called: DNMBP-related condition.

Allele frequency attached by ClinVar (database versions not stated): 1000 Genomes Project 0.44149; 1000 Genomes Project 30x 0.45050; gnomAD 0.46675 and 0.47476; TOPMed 0.47802; ESP Exome Variant Server 0.49262; ExAC 0.41607; gnomAD exomes 0.42142 and 0.40965.
gnomAD v4.1: 686,943 of 1,613,762 alleles (43%); highest among the groups gnomAD compares: African/African-American, 64%; 149,620 homozygotes.

Submissions (3):

Genome-Nilou Lab
Classification: Benign for Cataract 48. Last evaluated: 2021-07-30. Review status: criteria provided, single submitter. Criteria: ACMG Guidelines, 2015. Collection method: clinical testing. Allele origin: germline. Affected: no.

Breakthrough Genomics
Classification: Benign. Review status: criteria provided, single submitter. Criteria: ACMG Guidelines, 2015. Collection method: not provided. Allele origin: germline. Inheritance: Autosomal recessive inheritance. Affected: yes.

PreventionGenetics, part of Exact Sciences
Classification: Benign for DNMBP-related condition. Last evaluated: 2019-10-21. Review status: no assertion criteria provided. Collection method: clinical testing. Allele origin: germline. Not counted in ClinVar's aggregate classification.
Comment: This variant is classified as benign based on ACMG/AMP sequence variant interpretation guidelines (Richards et al. 2015 PMID: 25741868, with internal and published modifications).